The following is an entry in ClinVar:

ClinVar aggregate classification (germline): Uncertain significance. Review status: criteria provided, multiple submitters, no conflicts (2 of 4 stars). 2 submissions from 2 submitters: Uncertain significance (2). Last evaluated 2023-12-01.

Conditions:
Inborn genetic diseases. Identifiers: MedGen C0950123, MeSH D030342.

Allele frequency attached by ClinVar (database versions not stated): gnomAD exomes below 0.00001 and 0.00001; ExAC 0.00002.
gnomAD v4.1: 3 of 1,613,950 alleles (0.00019%); highest among the groups gnomAD compares: East Asian, 0.0045%; no homozygotes.

Submissions (2):

Ambry Genetics
Classification: Uncertain significance for Inborn genetic diseases. Last evaluated: 2023-12-01. Review status: criteria provided, single submitter. Criteria: Ambry Variant Classification Scheme 2023. Collection method: clinical testing. Allele origin: germline.

GeneDx
Classification: Uncertain significance. Last evaluated: 2019-07-25. Review status: criteria provided, single submitter. Criteria: GeneDx Variant Classification Process June 2021. Collection method: clinical testing. Allele origin: germline. Affected: yes.
Comment: In silico analysis, which includes protein predictors and evolutionary conservation, supports that this variant does not alter protein structure/function; Has not been previously published as pathogenic or benign to our knowledge

NM_017780.4(CHD7):c.3591C>G (p.Asn1197Lys)

Gene: CHD7 (chromodomain helicase DNA binding protein 7; plus strand). Cytogenetic location: 8q12.2.
Variant type: single nucleotide variant.
Coding change: c.3591C>G on transcript NM_017780.4 (MANE Select); coding-DNA position 3591, C replaced by G.
Protein change: p.Asn1197Lys; replaces asparagine 1197 with lysine.
Molecular consequence: missense variant. On other transcripts: intron variant (1).
Genome position (GRCh38, 1-based): chr8:60,830,390, C>G. VCF-style: chr8-60830390-C-G. GRCh37 (hg19) VCF-style: chr8-61742949-C-G.
Other names: c.1717-31839C>G (NM_001316690.1); c.3591C>G (NM_017780.3); short protein forms N1197K.
Identifiers: ClinVar variation 1304839 (VCV001304839.3), dbSNP rs750556683, ClinGen allele CA4759989.